The following is an entry in ClinVar:

ClinVar aggregate classification (germline): Uncertain significance. Review status: criteria provided, multiple submitters, no conflicts (2 of 4 stars). 2 submissions from 2 submitters: Uncertain significance (2). Last evaluated 2022-01-24.

Conditions:
Neurodevelopmental disorder with regression, abnormal movements, loss of speech, and seizures. Identifiers: Orphanet 597623, MedGen C4748127, MONDO:0060759, OMIM 618088.

Allele frequency attached by ClinVar (database versions not stated): TOPMed 0.00002.

Submissions (2):

Laboratorio de Genetica e Diagnostico Molecular, Hospital Israelita Albert Einstein
Classification: Uncertain significance for Neurodevelopmental disorder with regression, abnormal movements, loss of speech, and seizures. Last evaluated: 2022-01-24. Review status: criteria provided, single submitter. Criteria: ACMG Guidelines, 2015. Collection method: clinical testing. Allele origin: germline. Affected: yes.
Comment: ACMG classification criteria: PM2 moderate, BP4 supporting

New York Genome Center
Classification: Uncertain significance for Neurodevelopmental disorder with regression, abnormal movements, loss of speech, and seizures. Last evaluated: 2020-07-10. Review status: criteria provided, single submitter. Criteria: NYGC Assertion Criteria 2020. Collection method: clinical testing. Allele origin: inherited. Observed: 1 heterozygote. Study: CSER-NYCKidSeq.

NM_024496.4(IRF2BPL):c.1501G>A (p.Asp501Asn)

Gene: IRF2BPL (interferon regulatory factor 2 binding protein like; minus strand). Cytogenetic location: 14q24.3.
Variant type: single nucleotide variant.
Coding change: c.1501G>A on transcript NM_024496.4 (MANE Select); coding-DNA position 1501, G replaced by A.
Protein change: p.Asp501Asn; replaces aspartic acid 501 with asparagine.
Molecular consequence: missense variant.
Genome position (GRCh38, 1-based): chr14:77,026,292, C>T on the plus strand (G>A on the coding strand, the complement: IRF2BPL is on the minus strand). VCF-style: chr14-77026292-C-T. GRCh37 (hg19) VCF-style: chr14-77492635-C-T.
Other names: short protein forms D501N.
Identifiers: ClinVar variation 1184313 (VCV001184313.3), dbSNP rs902619113, ClinGen allele CA263778062.